The following is an entry in ClinVar:

ClinVar aggregate classification (germline): Pathogenic (1 of 4 stars; one submission).

Conditions:
Hereditary cancer-predisposing syndrome. Also called: Hereditary Cancer Syndrome; Hereditary neoplastic syndrome; Neoplastic Syndromes, Hereditary; Tumor predisposition. Identifiers: Orphanet 140162, MedGen C0027672, MeSH D009386, MONDO:0015356.

Submission:

Ambry Genetics
Classification: Pathogenic for Hereditary cancer-predisposing syndrome. Last evaluated: 2020-06-18. Review status: criteria provided, single submitter. Criteria: Ambry Variant Classification Scheme 2023. Collection method: clinical testing. Allele origin: germline.
Comment: The c.4584dupG pathogenic mutation, located in coding exon 29 of the ATM gene, results from a duplication of G at nucleotide position 4584, causing a translational frameshift with a predicted alternate stop codon (p.Y1529Vfs*2). This alteration is expected to result in loss of function by premature protein truncation or nonsense-mediated mRNA decay. As such, this alteration is interpreted as a disease-causing mutation.

NM_000051.4(ATM):c.4584dup (p.Tyr1529fs)

Gene: ATM (ATM serine/threonine kinase; plus strand). Cytogenetic location: 11q22.3.
Variant type: Duplication.
Coding change: c.4584dup on transcript NM_000051.4 (MANE Select); coding-DNA position 4584, one base duplicated (G; older notation c.4584dupG).
Protein change: p.Tyr1529fs; shifts the reading frame from tyrosine 1529.
Molecular consequence: frameshift variant.
Genome position (GRCh38, 1-based): chr11:108,292,766, G duplicated. VCF-style (leftmost placement, unchanged base first): chr11-108292765-T-TG. GRCh37 (hg19) VCF-style: chr11-108163492-T-TG.
Other names: c.4584dup, p.Tyr1529fs (NM_001351834.2); c.4584dupG (NM_000051.3); short protein forms Y1529fs.
Identifiers: ClinVar variation 1741662 (VCV001741662.2), dbSNP rs2546926161, ClinGen allele CA2580083271.